The following is an entry in ClinVar:

ClinVar aggregate classification (germline): Likely benign (1 of 4 stars; one submission).

Conditions:
INF2-related disorder. Also called: INF2-related condition.

gnomAD v4.1: 47 of 1,612,348 alleles (0.0029%); highest among the groups gnomAD compares: African/African-American, 0.055%; no homozygotes.

Submission:

PreventionGenetics, part of Exact Sciences
Classification: Likely benign for INF2-related condition. Last evaluated: 2025-04-04. Review status: criteria provided, single submitter. Criteria: ACMG Guidelines, 2015. Collection method: clinical testing. Allele origin: germline.
Comment: This variant is classified as likely benign based on ACMG/AMP sequence variant interpretation guidelines (Richards et al. 2015 PMID: 25741868, with internal and published modifications).

NM_022489.4(INF2):c.*38C>G

Gene: INF2 (inverted formin 2; plus strand). Cytogenetic location: 14q32.33.
Variant type: single nucleotide variant.
Coding change: c.*38C>G on transcript NM_022489.4 (MANE Select); 38 bases downstream of the stop codon, C replaced by G.
Molecular consequence: 3 prime UTR variant. On other transcripts: non-coding transcript variant (1).
Genome position (GRCh38, 1-based): chr14:104,718,831, C>G. VCF-style: chr14-104718831-C-G. GRCh37 (hg19) VCF-style: chr14-105185168-C-G.
Other names: c.*8C>G (NM_001031714.4, NM_001426862.1, NM_001426865.1); c.*38C>G (NM_001426863.1, NM_001426864.1).
Identifiers: ClinVar variation 4979703 (VCV004979703.1).